The following is an entry in ClinVar:

ClinVar aggregate classification (germline): Uncertain significance (1 of 4 stars; one submission).

Submission:

Ambry Genetics
Classification: Uncertain significance. Last evaluated: 2025-05-31. Review status: criteria provided, single submitter. Criteria: Ambry Variant Classification Scheme 2023. Collection method: clinical testing. Allele origin: germline.
Comment: The p.V447F variant (also known as c.1339G>T) is located in coding exon 8 of the PALLD gene. The valine at codon 447 is replaced by phenylalanine, an amino acid with highly similar properties. This change occurs in the first base pair of coding exon 8. This amino acid position is conserved. In addition, this alteration is predicted to be deleterious by in silico analysis. Based on the available evidence, the clinical significance of this variant remains unclear.

NM_001166108.2(PALLD):c.2851G>T (p.Val951Phe)

Genes: CBR4 (carbonyl reductase 4; minus strand), PALLD (palladin, cytoskeletal associated protein; plus strand). Cytogenetic location: 4q32.3.
Variant type: single nucleotide variant.
Coding change: c.2851G>T on transcript NM_001166108.2 (MANE Select); coding-DNA position 2851, G replaced by T.
Protein change: p.Val951Phe; replaces valine 951 with phenylalanine.
Molecular consequence: missense variant.
Genome position (GRCh38, 1-based): chr4:168,921,534, G>T. VCF-style: chr4-168921534-G-T. GRCh37 (hg19) VCF-style: chr4-169842685-G-T.
Other names: c.1654G>T, p.Val552Phe (NM_001166109.2); c.1339G>T, p.Val447Phe (NM_001166110.2); c.679G>T, p.Val227Phe (NM_001367567.1, NM_001367569.1); c.730G>T, p.Val244Phe (NM_001367568.1, NM_001367570.1); c.2800G>T, p.Val934Phe (NM_016081.4); short protein forms V951F, V244F, V934F, V552F, V227F, V447F.
Identifiers: ClinVar variation 3927566 (VCV003927566.1).